The following is an entry in ClinVar:

NC_000012.12:g.6943809T>C

Genes: C12orf57 (chromosome 12 open reading frame 57; plus strand), RNU7-1 (RNA, U7 small nuclear 1; plus strand). Cytogenetic location: 12p13.31.
Variant type: single nucleotide variant.
Molecular consequence: intron variant (on NM_001301836.2).
Genome position: GRCh38 VCF-style: chr12-6943809-T-C. GRCh37 (hg19) VCF-style: chr12-7052972-T-C.
Other names: c.13+147T>C (NM_001301836.2); c.-16+147T>C (NM_001301834.1).
Identifiers: ClinVar variation 4848499 (VCV004848499.1).

ClinVar aggregate classification (germline): Uncertain significance (1 of 4 stars; one submission).

gnomAD v4.1: 139 of 859,640 alleles (0.016%); highest among the groups gnomAD compares: East Asian, 0.041%; no homozygotes.

Submission:

Women's Health and Genetics/Laboratory Corporation of America, LabCorp
Classification: Uncertain significance. Last evaluated: 2026-04-16. Review status: criteria provided, single submitter. Criteria: LabCorp Variant Classification Summary - May 2015. Collection method: clinical testing. Allele origin: germline.
Comment: Variant summary: RNU7-1 n.-7T>C is located in the untranscribed region upstream of the RNU7-1 gene region. The variant allele was found at a frequency of 0.00016 in 859640 control chromosomes. This frequency is not significantly higher than estimated for disease-causing variants in RNU7-1, allowing no conclusion about variant significance. To our knowledge, no occurrence of n.-7T>C in individuals affected with RNU7-1-related conditions and no experimental evidence demonstrating its impact on protein function have been reported. No submitters have cited clinical-significance assessments for this variant to ClinVar. Based on the evidence outlined above, the variant was classified as uncertain significance.